The following is an entry in ClinVar:

NM_014795.4(ZEB2):c.1835C>A (p.Ala612Glu)

Gene: ZEB2 (zinc finger E-box binding homeobox 2; minus strand). Cytogenetic location: 2q22.3.
Variant type: single nucleotide variant.
Coding change: c.1835C>A on transcript NM_014795.4 (MANE Select); coding-DNA position 1835, C replaced by A.
Protein change: p.Ala612Glu; replaces alanine 612 with glutamic acid.
Molecular consequence: missense variant.
Genome position (GRCh38, 1-based): chr2:144,399,352, G>T on the plus strand (C>A on the coding strand, the complement: ZEB2 is on the minus strand). VCF-style: chr2-144399352-G-T. GRCh37 (hg19) VCF-style: chr2-145156919-G-T.
Other names: c.1763C>A, p.Ala588Glu (NM_001171653.2); short protein forms A588E, A612E.
Identifiers: ClinVar variation 1804463 (VCV001804463.2), dbSNP rs1206446041, ClinGen allele CA348710065.
Genomic context (GRCh38, chr2:144,399,352, plus strand): 5'-TTATTATCAACAAAAACTCCGGCTTTGTTGGGGACTATGTTTTCATGAGGCTGCAGGACC[G>T]CCTTGATCTCTTCATTCATCTTACAAAGGTAACGTTCATGCTGATGCAAAGGGATGGGGC-3'
Protein context (NP_055610.1, residues 602-622): YLCKMNEEIK[Ala612Glu]VLQPHENIVP

ClinVar aggregate classification (germline): Uncertain significance. Review status: criteria provided, multiple submitters, no conflicts (2 of 4 stars). 2 submissions from 2 submitters: Uncertain significance (2). Last evaluated 2025-11-06.

Conditions:
Mowat-Wilson syndrome (MOWS). Also called: Classic Mowat-Wilson Syndrome. Identifiers: Orphanet 2152, MedGen C1856113, MONDO:0009341, OMIM 235730.

Submissions (2):

Labcorp Genetics (formerly Invitae), Labcorp
Classification: Uncertain significance for Mowat-Wilson syndrome. Last evaluated: 2025-11-06. Review status: criteria provided, single submitter. Criteria: Invitae Variant Classification Sherloc (09022015). Collection method: clinical testing. Allele origin: germline.
Comment: This sequence change replaces alanine, which is neutral and non-polar, with glutamic acid, which is acidic and polar, at codon 612 of the ZEB2 protein (p.Ala612Glu). This variant is not present in population databases (gnomAD no frequency). This variant has not been reported in the literature in individuals affected with ZEB2-related conditions. ClinVar contains an entry for this variant (Variation ID: 1804463). Invitae Evidence Modeling of protein sequence and biophysical properties (such as structural, functional, and spatial information, amino acid conservation, physicochemical variation, residue mobility, and thermodynamic stability) indicates that this missense variant is not expected to disrupt ZEB2 protein function with a negative predictive value of 80%. In summary, the available evidence is currently insufficient to determine the role of this variant in disease. Therefore, it has been classified as a Variant of Uncertain Significance.

GeneDx
Classification: Uncertain significance. Last evaluated: 2022-06-17. Review status: criteria provided, single submitter. Criteria: GeneDx Variant Classification Process June 2021. Collection method: clinical testing. Allele origin: germline. Affected: yes.
Comment: Not observed at significant frequency in large population cohorts (gnomAD); In silico analysis supports that this missense variant does not alter protein structure/function; Has not been previously published as pathogenic or benign to our knowledge